The following is an entry in ClinVar:

NM_000153.4(GALC):c.598T>C (p.Ser200Pro)

Gene: GALC (galactosylceramidase; minus strand). Cytogenetic location: 14q31.3.
Variant type: single nucleotide variant.
Coding change: c.598T>C on transcript NM_000153.4 (MANE Select); coding-DNA position 598, T replaced by C.
Protein change: p.Ser200Pro; replaces serine 200 with proline.
Molecular consequence: missense variant. On other transcripts: 5 prime UTR variant (2), non-coding transcript variant (1).
Genome position (GRCh38, 1-based): chr14:87,982,228, A>G on the plus strand (T>C on the coding strand, the complement: GALC is on the minus strand). VCF-style: chr14-87982228-A-G. GRCh37 (hg19) VCF-style: chr14-88448572-A-G.
Other names: c.529T>C, p.Ser177Pro (NM_001201401.2); c.520T>C, p.Ser174Pro (NM_001201402.2); c.430T>C, p.Ser144Pro (NM_001424071.1, NM_001424072.1, NM_001424073.1); c.250T>C, p.Ser84Pro (NM_001424074.1, NM_001424075.1); c.-70T>C (NM_001424076.1, NM_001424077.1); short protein forms S144P, S177P, S200P, S84P, S174P.
Identifiers: ClinVar variation 3006647 (VCV003006647.2), dbSNP rs984059476, ClinGen allele CA264710623.
Genomic context (GRCh38, chr14:87,982,228, plus strand): 5'-AAAGTTAAAAACAAAAAGATACTAAAGTTGTACACACCTTAATATAATTGGCATTATATG[A>G]CCTCTCATTCCAAATCTGCAAAACAAAAAGTCAAAAAAGTCTGAATTGAAAGTTACAAAA-3'
Protein context (NP_000144.2, residues 190-210): IDYIGIWNER[Ser200Pro]YNANYIKILR

ClinVar aggregate classification (germline): Uncertain significance (1 of 4 stars; one submission).

Conditions:
Galactosylceramide beta-galactosidase deficiency. Also called: Krabbe Disease; GALACTOCEREBROSIDASE DEFICIENCY; GALC DEFICIENCY; GLOBOID CELL LEUKOENCEPHALOPATHY; Leukodystrophy, Globoid Cell. Identifiers: Orphanet 487, MedGen C0023521, MONDO:0009499, OMIM 245200.

Submission:

Labcorp Genetics (formerly Invitae), Labcorp
Classification: Uncertain significance for Galactosylceramide beta-galactosidase deficiency. Last evaluated: 2025-08-26. Review status: criteria provided, single submitter. Criteria: Invitae Variant Classification Sherloc (09022015). Collection method: clinical testing. Allele origin: germline.
Comment: This sequence change replaces serine, which is neutral and polar, with proline, which is neutral and non-polar, at codon 200 of the GALC protein (p.Ser200Pro). This variant is not present in population databases (gnomAD no frequency). This variant has not been reported in the literature in individuals affected with GALC-related conditions. ClinVar contains an entry for this variant (Variation ID: 3006647). Invitae Evidence Modeling of protein sequence and biophysical properties (such as structural, functional, and spatial information, amino acid conservation, physicochemical variation, residue mobility, and thermodynamic stability) indicates that this missense variant is not expected to disrupt GALC protein function with a negative predictive value of 95%. In summary, the available evidence is currently insufficient to determine the role of this variant in disease. Therefore, it has been classified as a Variant of Uncertain Significance.